The following is an entry in ClinVar:

NM_018418.5(SPATA7):c.1112T>C (p.Ile371Thr)

Gene: SPATA7 (spermatogenesis associated 7; plus strand). Cytogenetic location: 14q31.3.
Variant type: single nucleotide variant.
Coding change: c.1112T>C on transcript NM_018418.5 (MANE Select); coding-DNA position 1112, T replaced by C.
Protein change: p.Ile371Thr; replaces isoleucine 371 with threonine.
Molecular consequence: missense variant.
Genome position (GRCh38, 1-based): chr14:88,433,164, T>C. VCF-style: chr14-88433164-T-C. GRCh37 (hg19) VCF-style: chr14-88899508-T-C.
Other names: c.1016T>C, p.Ile339Thr (NM_001040428.4); short protein forms I371T, I339T.
Identifiers: ClinVar variation 314786 (VCV000314786.16), dbSNP rs150364664, ClinGen allele CA7298732.

ClinVar aggregate classification (germline): Uncertain significance. Review status: criteria provided, multiple submitters, no conflicts (2 of 4 stars). 8 submissions from 7 submitters: Uncertain significance (7). 1 of the submissions does not count toward it. Last evaluated 2026-07-20.

Conditions:
Retinitis pigmentosa 94, variable age at onset. Identifiers: MedGen C5676889, MONDO:0800328.
SPATA7-related disorder. Also called: SPATA7-related disorders; SPATA7-related condition. Identifiers: MedGen CN239422.
Retinitis pigmentosa (RP). Identifiers: Orphanet 791, MedGen C0035334, MeSH D012174, MONDO:0019200, OMIM 268000. Inheritance: Autosomal dominant, autosomal recessive and X linked inheritance.
Leber congenital amaurosis 3 (LCA3). Also called: SPATA7-Related Retinitis Pigmentosa. Identifiers: MedGen C1858677, MONDO:0011415, OMIM 604232.

Allele frequency attached by ClinVar (database versions not stated): 1000 Genomes Project 0.00020; gnomAD exomes 0.00021 and 0.00029; gnomAD 0.00022; TOPMed 0.00028; 1000 Genomes Project 30x 0.00031; ExAC 0.00032; ESP Exome Variant Server 0.00039.
gnomAD v4.1: 347 of 1,611,960 alleles (0.022%); highest among the groups gnomAD compares: Admixed American, 0.065%; no homozygotes.

Submissions (8):

PreventionGenetics, part of Exact Sciences
Classification: Uncertain significance for SPATA7-related condition. Last evaluated: 2026-07-20. Review status: criteria provided, single submitter. Criteria: ACMG Guidelines, 2015. Collection method: clinical testing. Allele origin: germline.
Comment: The SPATA7 c.1112T>C variant is predicted to result in the amino acid substitution p.Ile371Thr. This variant was reported in an individual with Leber congenital amaurosis; however, that patient harbored potentially causative variants in a different retinal disease gene (Eisenberger et al. 2013. PubMed ID: 24265693;). This variant was also described in the homozygous state in two siblings with retinal disease (Feldhaus et al. 2017. PubMed ID: 28481129). However, this variant is reported in 0.070% of alleles in individuals of East Asian descent in gnomAD, which may be too frequent to be a primary cause of disease. Although we suspect that this variant may be benign, at this time, the clinical significance of this variant is uncertain due to the absence of conclusive functional and genetic evidence.

Blueprint Genetics
Classification: Uncertain significance. Last evaluated: 2024-10-11. Review status: criteria provided, single submitter. Criteria: ACMG Guidelines, 2015. Collection method: clinical testing. Allele origin: germline.

Department of Pathology and Laboratory Medicine, Sinai Health System
Classification: Uncertain significance for Leber congenital amaurosis 3. Last evaluated: 2023-03-08. Review status: criteria provided, single submitter. Criteria: ACMG Guidelines, 2015. Collection method: research. Allele origin: germline.

Labcorp Genetics (formerly Invitae), Labcorp
Classification: Uncertain significance for Leber congenital amaurosis 3. Last evaluated: 2022-10-13. Review status: criteria provided, single submitter. Criteria: Invitae Variant Classification Sherloc (09022015). Collection method: clinical testing. Allele origin: germline.
Comment: This sequence change replaces isoleucine, which is neutral and non-polar, with threonine, which is neutral and polar, at codon 371 of the SPATA7 protein (p.Ile371Thr). This variant is present in population databases (rs150364664, gnomAD 0.07%). This missense change has been observed in individual(s) with SPATA7-related conditions (PMID: 28481129). It has also been observed to segregate with disease in related individuals. ClinVar contains an entry for this variant (Variation ID: 314786). Advanced modeling of protein sequence and biophysical properties (such as structural, functional, and spatial information, amino acid conservation, physicochemical variation, residue mobility, and thermodynamic stability) performed at Invitae indicates that this missense variant is expected to disrupt SPATA7 protein function. In summary, the available evidence is currently insufficient to determine the role of this variant in disease. Therefore, it has been classified as a Variant of Uncertain Significance.

Fulgent Genetics
Classification: Uncertain significance for Leber congenital amaurosis 3. Last evaluated: 2021-08-09. Review status: criteria provided, single submitter. Criteria: ACMG Guidelines, 2015. Collection method: clinical testing. Allele origin: unknown.

Illumina Laboratory Services, Illumina
Classification: Uncertain significance for Retinitis pigmentosa. Last evaluated: 2018-01-13. Review status: criteria provided, single submitter. Criteria: ICSL Variant Classification Criteria 13 December 2019. Collection method: clinical testing. Allele origin: germline.

Illumina Laboratory Services, Illumina
Classification: Uncertain significance for Leber congenital amaurosis 3. Last evaluated: 2018-01-13. Review status: criteria provided, single submitter. Criteria: ICSL Variant Classification Criteria 13 December 2019. Collection method: clinical testing. Allele origin: germline.

OMIM
Classification: Pathogenic for RETINITIS PIGMENTOSA 94, VARIABLE AGE AT ONSET. Last evaluated: 2022-06-28. Review status: no assertion criteria provided. Collection method: literature only. Allele origin: germline. Not counted in ClinVar's aggregate classification.

Literature cited by the submitters: PubMed 28481129 (cited by Labcorp Genetics (formerly Invitae), Labcorp and OMIM).